The following is an entry in ClinVar:

NM_000094.4(COL7A1):c.3343G>C (p.Gly1115Arg)

Gene: COL7A1 (collagen type VII alpha 1 chain; minus strand). Cytogenetic location: 3p21.31.
Variant type: single nucleotide variant.
Coding change: c.3343G>C on transcript NM_000094.4 (MANE Select); coding-DNA position 3343, G replaced by C.
Protein change: p.Gly1115Arg; replaces glycine 1115 with arginine.
Molecular consequence: missense variant.
Genome position (GRCh38, 1-based): chr3:48,586,623, C>G on the plus strand (G>C on the coding strand, the complement: COL7A1 is on the minus strand). VCF-style: chr3-48586623-C-G. GRCh37 (hg19) VCF-style: chr3-48624056-C-G.
Other names: short protein forms G1115R.
Identifiers: ClinVar variation 345859 (VCV000345859.11), dbSNP rs200235451, ClinGen allele CA2380559.
Genomic context (GRCh38, chr3:48,586,623, plus strand): 5'-CCAGGTTGTTCCCACTTGGGTCCATGTAGGGCATGTCACGGATCCTTTGCAAGATAATGC[C>G]AAGGTCATGGGAGCCATTCAGTGGGAACAGTGGGGAGGGCCGATGACTGTAAGACAGCAG-3'
Protein context (NP_000085.1, residues 1105-1125): LFPLNGSHDL[Gly1115Arg]IILQRIRDMP

ClinVar aggregate classification (germline): Conflicting classifications of pathogenicity. Review status: criteria provided, conflicting classifications (1 of 4 stars). 4 submissions from 4 submitters: Uncertain significance (3); Likely benign (1). Last evaluated 2026-01-20.

Conditions:
Inborn genetic diseases. Identifiers: MedGen C0950123, MeSH D030342.
Epidermolysis bullosa dystrophica. Also called: Dystrophic epidermolysis bullosa, Hallopeau-Siemens type (formerly); Dystrophic epidermolysis bullosa. Identifiers: Orphanet 303, MedGen C0079294, MONDO:0006543.
COL7A1-related disorder. Also called: COL7A1-related condition; COL7A1- related disorders.

Allele frequency attached by ClinVar (database versions not stated): ExAC 0.00006; gnomAD exomes 0.00006; TOPMed 0.00007; gnomAD 0.00009; ESP Exome Variant Server 0.00015.
gnomAD v4.1: 179 of 1,613,506 alleles (0.011%); highest among the groups gnomAD compares: Non-Finnish European, 0.014%; no homozygotes.

Submissions (4):

Labcorp Genetics (formerly Invitae), Labcorp
Classification: Likely benign. Last evaluated: 2026-01-20. Review status: criteria provided, single submitter. Criteria: Invitae Variant Classification Sherloc (09022015). Collection method: clinical testing. Allele origin: germline.

Ambry Genetics
Classification: Uncertain significance for Inborn genetic diseases. Last evaluated: 2023-12-22. Review status: criteria provided, single submitter. Criteria: Ambry Variant Classification Scheme 2023. Collection method: clinical testing. Allele origin: germline.

PreventionGenetics, part of Exact Sciences
Classification: Uncertain significance for COL7A1-related condition. Last evaluated: 2022-12-22. Review status: criteria provided, single submitter. Criteria: ACMG Guidelines, 2015. Collection method: clinical testing. Allele origin: germline.
Comment: The COL7A1 c.3343G>C variant is predicted to result in the amino acid substitution p.Gly1115Arg. To our knowledge, this variant has not been reported in the literature. This variant is reported in 0.012% of alleles in individuals of European (Non-Finnish) descent in gnomAD. At this time, the clinical significance of this variant is uncertain due to the absence of conclusive functional and genetic evidence.

Illumina Laboratory Services, Illumina
Classification: Uncertain significance for Dystrophic epidermolysis bullosa. Last evaluated: 2018-01-12. Review status: criteria provided, single submitter. Criteria: ICSL Variant Classification Criteria 13 December 2019. Collection method: clinical testing. Allele origin: germline.